The following is an entry in ClinVar:

NM_002769.5(PRSS1):c.457G>C (p.Asp153His)

Genes: TRB (T cell receptor beta locus; plus strand), PRSS1 (serine protease 1; plus strand). Cytogenetic location: 7q34.
Variant type: single nucleotide variant.
Coding change: c.457G>C on transcript NM_002769.5 (MANE Select); coding-DNA position 457, G replaced by C.
Protein change: p.Asp153His; replaces aspartic acid 153 with histidine.
Molecular consequence: missense variant. On other transcripts: non-coding transcript variant (5).
Genome position (GRCh38, 1-based): chr7:142,752,433, G>C. VCF-style: chr7-142752433-G-C. GRCh37 (hg19) VCF-style: chr7-142460284-G-C.
Other names: short protein forms D153H.
Identifiers: ClinVar variation 1692723 (VCV001692723.1), dbSNP rs61735002, ClinGen allele CA4530016.

ClinVar aggregate classification (germline): Uncertain significance (1 of 4 stars; one submission).

Conditions:
Hereditary pancreatitis (PCTT). Also called: Hereditary chronic pancreatitis; PRSS1-Related Hereditary Pancreatitis. Identifiers: Orphanet 676, MedGen C0238339, MONDO:0008185, OMIM 167800.

Allele frequency attached by ClinVar (database versions not stated): ESP Exome Variant Server 0.00146.

Submission:

Sema4
Classification: Uncertain significance for Hereditary pancreatitis. Last evaluated: 2022-02-14. Review status: criteria provided, single submitter. Criteria: Sema4 Curation Guidelines. Collection method: curation. Allele origin: germline.
Comment: The PRSS1 c.457G>C (p.D153H) variant has not been reported in the literature to our knowledge. It was observed in 35/23354 chromosomes of the African population subpopulation, with no homozygotes, in the large and broad cohorts of the Genome Aggregation Database (PMID: 32461654). This variant has not been reported in ClinVar. Functional studies have not been performed, and in silico predictions of the variant's effect on protein function are inconclusive. The evidence is insufficient to meet ACMG/AMP criteria for classifying the variant as benign or pathogenic. Thus, the clinical significance of this variant is currently uncertain.